The following is an entry in ClinVar:

NM_203447.4(DOCK8):c.54-1G>T

Gene: DOCK8 (dedicator of cytokinesis 8; plus strand). Cytogenetic location: 9p24.3.
Variant type: single nucleotide variant.
Coding change: c.54-1G>T on transcript NM_203447.4 (MANE Select); the canonical splice acceptor site of the intron before coding-DNA position 54, G replaced by T.
Molecular consequence: splice acceptor variant.
Genome position (GRCh38, 1-based): chr9:271,626, G>T. VCF-style: chr9-271626-G-T. GRCh37 (hg19) VCF-style: chr9-271626-G-T.
Identifiers: ClinVar variation 265359 (VCV000265359.40), dbSNP rs192864327, ClinGen allele CA4957100.

ClinVar aggregate classification (germline): Conflicting classifications of pathogenicity. Review status: criteria provided, conflicting classifications (1 of 4 stars). 17 submissions from 17 submitters: Pathogenic (4); Likely pathogenic (8); Uncertain significance (1). 4 of the submissions do not count toward it. Last evaluated 2026-04-09.

Conditions:
DOCK8-related disorder. Also called: DOCK8-related condition.
DOCK8-related disorders.
Intellectual disability. Also called: Intellectual developmental disorder; Intellectual functioning disability; intellectual disabilities. Identifiers: MedGen C3714756, MeSH D008607, MONDO:0001071, HP:0001249.
Combined immunodeficiency due to DOCK8 deficiency (HIES2). Also called: HIES autosomal recessive; HYPER-IgE SYNDROME 2, AUTOSOMAL RECESSIVE, WITH RECURRENT INFECTIONS; DOCK8 Deficiency; Hyper-IgE recurrent infection syndrome, autosomal recessive; HYPER-IgE RECURRENT INFECTION SYNDROME 2, AUTOSOMAL RECESSIVE. Identifiers: Orphanet 217390, MedGen C4722305, MONDO:0009478, OMIM 243700.

Allele frequency attached by ClinVar (database versions not stated): gnomAD 0.00035 and 0.00036; ExAC 0.00014; TOPMed 0.00044.

Submissions (19):

PreventionGenetics, part of Exact Sciences
Classification: Likely pathogenic for DOCK8-related condition. Last evaluated: 2026-04-09. Review status: criteria provided, single submitter. Criteria: ACMG Guidelines, 2015. Collection method: clinical testing. Allele origin: germline.
Comment: The DOCK8 c.54-1G>T variant is predicted to disrupt the AG splice acceptor site and interfere with normal splicing. To our knowledge, this variant has not been reported in the literature in individuals with DOCK8-associated disease. However, variants that disrupt the consensus AG acceptor site in DOCK8 are expected to be pathogenic. Other DOCK8 splicing, nonsense and frameshift variants have been reported as pathogenic downstream of this variant (Human Gene Mutation Database, HGMD). At least one pathogenic gross deletion encompassing DOCK8 exon 1 has also been reported upstream of this variant (Engelhardt et al. 2015. PubMed ID: 25724123). This variant is interpreted as likely pathogenic.

Labcorp Genetics (formerly Invitae), Labcorp
Classification: Pathogenic for Combined immunodeficiency due to DOCK8 deficiency. Last evaluated: 2026-01-28. Review status: criteria provided, single submitter. Criteria: Invitae Variant Classification Sherloc (09022015). Collection method: clinical testing. Allele origin: germline.
Comment: This sequence change affects an acceptor splice site in intron 1 of the DOCK8 gene. It is expected to disrupt RNA splicing. Variants that disrupt the donor or acceptor splice site typically lead to a loss of protein function (PMID: 16199547), and loss-of-function variants in DOCK8 are known to be pathogenic (PMID: 14722525, 19776401). This variant is present in population databases (rs192864327, gnomAD 0.05%). This variant has not been reported in the literature in individuals affected with DOCK8-related conditions. ClinVar contains an entry for this variant (Variation ID: 265359). Studies have shown that disruption of this splice site alters DOCK8 gene expression (PMID: 39423879). Algorithms developed to predict the effect of sequence changes on RNA splicing suggest that this variant may disrupt the consensus splice site. For these reasons, this variant has been classified as Pathogenic.

GeneDx
Classification: Pathogenic. Last evaluated: 2025-11-06. Review status: criteria provided, single submitter. Criteria: GeneDx Variant Classification Process June 2021. Collection method: clinical testing. Allele origin: germline. Affected: yes.
Comment: Canonical splice site variant predicted to result in a null allele in a gene for which loss of function is a known mechanism of disease; This variant is associated with the following publications: (PMID: 36451132, 31589614, 31980526, 26689913, 39423879, 32191290, 34308104, 34662886, 35150601, 26744459)

Mayo Clinic Laboratories, Mayo Clinic
Classification: Uncertain significance. Last evaluated: 2025-10-22. Review status: criteria provided, single submitter. Criteria: ACMG Guidelines, 2015. Collection method: clinical testing. Allele origin: germline. Observed: 2 variant alleles.
Comment: PP3

Revvity Omics, Revvity
Classification: Likely pathogenic for Combined immunodeficiency due to DOCK8 deficiency. Last evaluated: 2025-02-05. Review status: criteria provided, single submitter. Criteria: ACMG Guidelines, 2015. Collection method: clinical testing. Allele origin: germline.

Blueprint Genetics
Classification: Likely pathogenic for DOCK8-related disorders. Last evaluated: 2024-11-27. Review status: criteria provided, single submitter. Criteria: ACMG Guidelines, 2015. Collection method: clinical testing. Allele origin: germline. Affected: yes. Observed: 5 variant alleles.

Fulgent Genetics
Classification: Likely pathogenic for Combined immunodeficiency due to DOCK8 deficiency. Last evaluated: 2024-03-12. Review status: criteria provided, single submitter. Criteria: ACMG Guidelines, 2015. Collection method: clinical testing. Allele origin: germline.

Women's Health and Genetics/Laboratory Corporation of America, LabCorp
Classification: Likely pathogenic for Combined immunodeficiency due to DOCK8 deficiency. Last evaluated: 2024-01-16. Review status: criteria provided, single submitter. Criteria: LabCorp Variant Classification Summary - May 2015. Collection method: clinical testing. Allele origin: germline.
Comment: Variant summary: DOCK8 c.54-1G>T is located in a canonical splice-site and is predicted to affect mRNA splicing resulting in a significantly altered protein due to either exon skipping, shortening, or inclusion of intronic material. Several computational tools predict a significant impact on normal splicing: Four predict the variant abolishes a 3' acceptor site, expected to cause altered splicing of exon 2 (deletion of exon 2 has been reported in patients with DOCK8 deficiency [PMID: 25724123]). However, these predictions have yet to be confirmed by functional studies. The variant allele was found at a frequency of 0.00062 in 1539240 control chromosomes (gnomAD). c.54-1G>T has been reported in a homozygous patient with albinism, neutropenia and immunodeficiency, neurodevelopmental delay, generalized seizures and impaired hearing; however, this patient was also homozygous for AP3D1 c.3565_3566delGT (p.Val1189LeufsX8) which may explain the patients phenotype (Ammann_2016). This report does not provide unequivocal conclusions about association of the variant with Combined Immunodeficiency Due To DOCK8 Deficiency. To our knowledge, no experimental evidence demonstrating an impact on protein function has been reported. The following publications have been ascertained in the context of this evaluation (PMID: 26744459, 37592284, 31980526). ClinVar contains an entry for this variant (Variation ID: 265359). Based on the evidence outlined above, the variant was classified as likely pathogenic.

Department of Pathology and Laboratory Medicine, Sinai Health System
Classification: Likely pathogenic for Combined immunodeficiency due to DOCK8 deficiency. Last evaluated: 2023-03-30. Review status: criteria provided, single submitter. Criteria: ACMG Guidelines, 2015. Collection method: research. Allele origin: germline.

Baylor Genetics
Classification: Pathogenic for Combined immunodeficiency due to DOCK8 deficiency. Last evaluated: 2019-02-01. Review status: criteria provided, single submitter. Criteria: ACMG Guidelines, 2015. Collection method: clinical testing. Allele origin: unknown. Affected: yes.
Comment: This variant was determined to be pathogenic according to ACMG Guidelines, 2015 [PMID:25741868].

Centre for Mendelian Genomics, University Medical Centre Ljubljana
Classification: Pathogenic for Combined immunodeficiency due to DOCK8 deficiency. Last evaluated: 2018-10-25. Review status: criteria provided, single submitter. Criteria: ACMG Guidelines, 2015. Collection method: clinical testing. Allele origin: unknown. Affected: yes.
Comment: This variant was classified as: Pathogenic. The following ACMG criteria were applied in classifying this variant: PVS1,PS1,PM2.

Center for Pediatric Genomic Medicine, Children's Mercy Hospital and Clinics
Classification: Likely pathogenic. Last evaluated: 2017-06-14. Review status: criteria provided, single submitter. Criteria: ACMG Guidelines, 2015. Collection method: clinical testing. Allele origin: germline.

UNC Molecular Genetics  Laboratory, University of North Carolina at Chapel Hill
Classification: Likely pathogenic for Hyperimmunoglobulin E recurrent infection syndrome, autosomal recessive. Review status: criteria provided, single submitter. Criteria: ACMG Guidelines, 2015. Collection method: research. Allele origin: germline. Affected: no. Observed: 1 variant allele. Study: NSIGHT-NC NEXUS.
Comment: The DOCK8 c.54-1G>T (p.?) variant is predicted to alter a canonical splice site.

carrier finding

Centre de Biologie Pathologie Génétique, Centre Hospitalier Universitaire de Lille
Classification: Uncertain significance for Intellectual disability. Last evaluated: 2019-01-01. Review status: no assertion criteria provided. Collection method: clinical testing. Allele origin: unknown. Affected: yes. Not counted in ClinVar's aggregate classification.

Clinical Genetics DNA and cytogenetics Diagnostics Lab, Erasmus MC, Erasmus Medical Center
Classification: Likely pathogenic. Review status: no assertion criteria provided. Collection method: clinical testing. Allele origin: germline. Affected: yes. Study: VKGL Data-share Consensus. Not counted in ClinVar's aggregate classification.

Dr. Peter K. Rogan Lab, Western University
No classification provided (evidence only). Condition: Familial cancer of breast. Review status: no classification provided. Collection method: in vitro. Allele origin: not applicable. Functional consequence: skipped exon, retained intron. Not counted in ClinVar's aggregate classification.

Dr. Peter K. Rogan Lab, Western University
No classification provided (evidence only). Condition: Acute myeloid leukemia. Review status: no classification provided. Collection method: in vitro. Allele origin: not applicable. Functional consequence: skipped exon. Not counted in ClinVar's aggregate classification.

Genome Diagnostics Laboratory, University Medical Center Utrecht
Classification: Pathogenic. Review status: no assertion criteria provided. Collection method: clinical testing. Allele origin: germline. Affected: yes. Study: VKGL Data-share Consensus. Not counted in ClinVar's aggregate classification.

Laboratory for Molecular Medicine, Mass General Brigham Personalized Medicine
Classification: Uncertain significance. Last evaluated: 2018-10-08. Review status: flagged submission. Criteria: LMM Criteria. Collection method: clinical testing. Allele origin: germline. Observed: 1 variant allele. Not counted in ClinVar's aggregate classification.
Comment: Variant classified as Uncertain Significance - Favor Pathogenic. The c.54-1G>T variant has been identified in 0.05% (35/7 2808) of European chromosomes by the Genome Aggregation Database (gnomAD), and has been reported in ClinVar (Variation ID 2653 59). This variant occurs in the invariant region (+/- 1,2) of the splice consens us sequence and is predicted to cause altered splicing of DOCK8 exon 2, which is unique to NM_203447.3. While transcript NM_203447.3 is expressed across adult a nd fetal tissues (Griggs 2008) and DOCK8 deficiency patients with exon 2 deletio n have been reported in the literature (Engelhardt 2015), the impact of the loss of this transcript is unclear. Therefore, the impact of this variant on DOCK8 f unction is unclear. In summary, while there is some suspicion for a pathogenic r ole, given the presence of conflicting data, the clinical significance of the c. 54-1G>T variant is uncertain. ACMG/AMP Criteria applied: PP3, PM2_Supporting.
ClinVar note: Reason: Older and outlier claim with insufficient supporting evidence

Literature cited by the submitters: PubMed 16199547 (cited by Labcorp Genetics (formerly Invitae), Labcorp); PubMed 14722525 (cited by Labcorp Genetics (formerly Invitae), Labcorp); PubMed 19776401 (cited by Labcorp Genetics (formerly Invitae), Labcorp); PubMed 39423879 (cited by Labcorp Genetics (formerly Invitae), Labcorp); PubMed 25724123 (cited by Mayo Clinic Laboratories, Mayo Clinic and Laboratory for Molecular Medicine, Mass General Brigham Personalized Medicine); PubMed 26689913 (cited by Mayo Clinic Laboratories, Mayo Clinic); PubMed 26744459 (cited by 3 submitters); PubMed 31589614 (cited by Mayo Clinic Laboratories, Mayo Clinic); PubMed 31980526 (cited by Mayo Clinic Laboratories, Mayo Clinic and Women's Health and Genetics/Laboratory Corporation of America, LabCorp); PubMed 32191290 (cited by Mayo Clinic Laboratories, Mayo Clinic); PubMed 33188554 (cited by Mayo Clinic Laboratories, Mayo Clinic); PubMed 34308104 (cited by Mayo Clinic Laboratories, Mayo Clinic); PubMed 34662886 (cited by Mayo Clinic Laboratories, Mayo Clinic); PubMed 36451132 (cited by Mayo Clinic Laboratories, Mayo Clinic); PubMed 38274105 (cited by Mayo Clinic Laboratories, Mayo Clinic); PubMed 37592284 (cited by Women's Health and Genetics/Laboratory Corporation of America, LabCorp); PubMed 26046366 (cited by Laboratory for Molecular Medicine, Mass General Brigham Personalized Medicine); PubMed 18060736 (cited by Laboratory for Molecular Medicine, Mass General Brigham Personalized Medicine).